The following is an entry in ClinVar:

NM_001128922.2(LRRC32):c.882C>T (p.Ser294=)

Genes: LRRC32 (leucine rich repeat containing 32; minus strand), LRRC32-AS1 (LRRC32 antisense RNA 1; plus strand). Cytogenetic location: 11q13.5.
Variant type: single nucleotide variant.
Coding change: c.882C>T on transcript NM_001128922.2 (MANE Select); coding-DNA position 882, C replaced by T.
Protein change: p.Ser294=; no amino-acid change (serine 294 retained).
Molecular consequence: synonymous variant. On other transcripts: non-coding transcript variant (1), intron variant (1).
Genome position (GRCh38, 1-based): chr11:76,660,711, G>A on the plus strand (C>T on the coding strand, the complement: LRRC32 is on the minus strand). VCF-style: chr11-76660711-G-A. GRCh37 (hg19) VCF-style: chr11-76371755-G-A.
Other names: c.882C>T, p.Ser294= (NM_001370187.1, NM_001370188.1, NM_005512.3); c.816C>T, p.Ser272= (NM_001370189.1); c.552C>T, p.Ser184= (NM_001370190.1); c.85-2677C>T (NM_001370191.1).
Identifiers: ClinVar variation 3257014 (VCV003257014.17).

ClinVar aggregate classification (germline): Likely benign (1 of 4 stars; one submission).

gnomAD v4.1: 66 of 1,613,976 alleles (0.0041%); highest among the groups gnomAD compares: Non-Finnish European, 0.0049%; no homozygotes.

Submission:

CeGaT Center for Human Genetics Tuebingen
Classification: Likely benign. Last evaluated: 2024-07-01. Review status: criteria provided, single submitter. Criteria: CeGaT Center For Human Genetics Tuebingen Variant Classification Criteria Version 2. Collection method: clinical testing. Allele origin: germline. Affected: yes. Observed: 1 variant allele.
Comment: LRRC32: BP4, BP7